The following is an entry in ClinVar:

ClinVar aggregate classification (germline): Uncertain significance (1 of 4 stars; one submission).

Conditions:
Dilated cardiomyopathy 1O (CMD1O). Also called: CARDIOMYOPATHY, DILATED, WITH VENTRICULAR TACHYCARDIA. Identifiers: Orphanet 154, MedGen C1837839, MONDO:0012062, OMIM 608569.

Submission:

Labcorp Genetics (formerly Invitae), Labcorp
Classification: Uncertain significance for Dilated cardiomyopathy 1O. Last evaluated: 2024-04-20. Review status: criteria provided, single submitter. Criteria: Invitae Variant Classification Sherloc (09022015). Collection method: clinical testing. Allele origin: germline.
Comment: This sequence change replaces glycine, which is neutral and non-polar, with glutamic acid, which is acidic and polar, at codon 249 of the ABCC9 protein (p.Gly249Glu). This variant is not present in population databases (gnomAD no frequency). This variant has not been reported in the literature in individuals affected with ABCC9-related conditions. Advanced modeling of protein sequence and biophysical properties (such as structural, functional, and spatial information, amino acid conservation, physicochemical variation, residue mobility, and thermodynamic stability) performed at Invitae indicates that this missense variant is expected to disrupt ABCC9 protein function with a positive predictive value of 95%. In summary, the available evidence is currently insufficient to determine the role of this variant in disease. Therefore, it has been classified as a Variant of Uncertain Significance.

NM_020297.4(ABCC9):c.746G>A (p.Gly249Glu)

Gene: ABCC9 (ATP binding cassette subfamily C member 9; minus strand). Cytogenetic location: 12p12.1.
Variant type: single nucleotide variant.
Coding change: c.746G>A on transcript NM_020297.4 (MANE Select); coding-DNA position 746, G replaced by A.
Protein change: p.Gly249Glu; replaces glycine 249 with glutamic acid.
Molecular consequence: missense variant. On other transcripts: intron variant (1).
Genome position (GRCh38, 1-based): chr12:21,915,738, C>T on the plus strand (G>A on the coding strand, the complement: ABCC9 is on the minus strand). VCF-style: chr12-21915738-C-T. GRCh37 (hg19) VCF-style: chr12-22068672-C-T.
Other names: c.746G>A, p.Gly249Glu (NM_001377273.1, NM_005691.4); c.-48-2672G>A (NM_001377274.1); short protein forms G249E.
Identifiers: ClinVar variation 2763463 (VCV002763463.3), dbSNP rs865881159, ClinGen allele CA233613368.